The following is an entry in ClinVar:

NM_032638.5(GATA2):c.599del (p.Gly200fs)

Gene: GATA2 (GATA binding protein 2; minus strand). Cytogenetic location: 3q21.3.
Variant type: Deletion.
Coding change: c.599del on transcript NM_032638.5 (MANE Select); coding-DNA position 599, one base deleted (G; older notation c.599delG).
Protein change: p.Gly200fs; shifts the reading frame from glycine 200.
Molecular consequence: frameshift variant.
Genome position (GRCh38, 1-based): chr3:128,485,999, C deleted on the plus strand (G on the coding strand, the reverse complement: GATA2 is on the minus strand); the first of 6 consecutive C bases (chr3:128,485,999-128,486,004); deleting any one gives the same sequence. VCF-style (leftmost placement, unchanged base first): chr3-128485998-AC-A. GRCh37 (hg19) VCF-style: chr3-128204841-AC-A.
Other names: c.599del, p.Gly200fs (NM_001145661.2, NM_001145662.1); short protein forms G200fs.
Identifiers: ClinVar variation 800690 (VCV000800690.11), dbSNP rs768767517, ClinGen allele CA435764121.

ClinVar aggregate classification (germline): Pathogenic. Review status: criteria provided, multiple submitters, no conflicts (2 of 4 stars). 3 submissions from 3 submitters: Pathogenic (3). Last evaluated 2023-02-01.

Conditions:
Deafness-lymphedema-leukemia syndrome. Also called: Emberger syndrome; Lymphedema, primary, with myelodysplasia. Identifiers: Orphanet 3226, MedGen C3279664, MONDO:0013540, OMIM 614038.
Monocytopenia with susceptibility to infections. Also called: MONOCYTOPENIA AND MYCOBACTERIAL INFECTION SYNDROME; MONOCYTOPENIA WITH SUSCEPTIBILITY TO MYCOBACTERIAL, FUNGAL, AND PAPILLOMAVIRUS INFECTIONS AND MYELODYSPLASIA; COMBINED IMMUNODEFICIENCY WITH SUSCEPTIBILITY TO MYCOBACTERIAL, VIRAL, AND FUNGAL INFECTIONS; IMMUNODEFICIENCY 21; GATA2 DEFICIENCY; Dendritic cell, monocyte, B lymphocyte, and natural killer lymphocyte deficiency. Identifiers: Orphanet 228423, MedGen C3280030, MONDO:0013607, OMIM 614172.
GATA2 deficiency with susceptibility to MDS/AML. Identifiers: MedGen CN300066, MONDO:0042982.

Submissions (3):

Labcorp Genetics (formerly Invitae), Labcorp
Classification: Pathogenic for Monocytopenia with susceptibility to infections; Deafness-lymphedema-leukemia syndrome. Last evaluated: 2023-02-01. Review status: criteria provided, single submitter. Criteria: Invitae Variant Classification Sherloc (09022015). Collection method: clinical testing. Allele origin: germline.
Comment: This sequence change creates a premature translational stop signal (p.Gly200Valfs*18) in the GATA2 gene. It is expected to result in an absent or disrupted protein product. Loss-of-function variants in GATA2 are known to be pathogenic (PMID: 21670465, 23223431). This variant is not present in population databases (gnomAD no frequency). This premature translational stop signal has been observed in individual(s) with myelodysplastic syndrome (PMID: 27876779). ClinVar contains an entry for this variant (Variation ID: 800690). For these reasons, this variant has been classified as Pathogenic.

Molecular Pathology Research Laboratory, SA Pathology
Classification: Pathogenic for GATA2 deficiency with susceptibility to MDS/AML; Deafness-lymphedema-leukemia syndrome. Last evaluated: 2021-07-06. Review status: criteria provided, single submitter. Criteria: ACMG Guidelines, 2015. Collection method: curation. Allele origin: germline. Inheritance: Autosomal dominant inheritance. Affected: yes. Observed: 5 variant alleles. Clinical features observed: Myelodysplasia, Acute Myeloid Leukemia, Immunodeficiency, Lymphedema.
Comment: PVS1, PS4, PM2

PreventionGenetics, part of Exact Sciences
Classification: Pathogenic. Last evaluated: 2016-04-12. Review status: criteria provided, single submitter. Criteria: ACMG Guidelines, 2015. Collection method: clinical testing. Allele origin: germline.

Literature cited by the submitters: PubMed 21670465 (cited by Labcorp Genetics (formerly Invitae), Labcorp); PubMed 23223431 (cited by Labcorp Genetics (formerly Invitae), Labcorp); PubMed 27876779 (cited by Labcorp Genetics (formerly Invitae), Labcorp); PubMed 24345756 (cited by Molecular Pathology Research Laboratory, SA Pathology); PubMed 26702063 (cited by Molecular Pathology Research Laboratory, SA Pathology).